The following is an entry in ClinVar:

NM_001376.5(DYNC1H1):c.11682C>T (p.Gly3894=)

Gene: DYNC1H1 (dynein cytoplasmic 1 heavy chain 1; plus strand). Cytogenetic location: 14q32.31.
Variant type: single nucleotide variant.
Coding change: c.11682C>T on transcript NM_001376.5 (MANE Select); coding-DNA position 11682, C replaced by T.
Protein change: p.Gly3894=; no amino-acid change (glycine 3894 retained).
Molecular consequence: synonymous variant.
Genome position (GRCh38, 1-based): chr14:102,039,724, C>T. VCF-style: chr14-102039724-C-T. GRCh37 (hg19) VCF-style: chr14-102506061-C-T.
Identifiers: ClinVar variation 2698372 (VCV002698372.4), dbSNP rs747437862, ClinGen allele CA7353687.

ClinVar aggregate classification (germline): Likely benign. Review status: criteria provided, multiple submitters, no conflicts (2 of 4 stars). 2 submissions from 2 submitters: Likely benign (2). Last evaluated 2025-04-23.

Conditions:
Charcot-Marie-Tooth disease axonal type 2O. Also called: CHARCOT-MARIE-TOOTH NEUROPATHY, AXONAL, TYPE 2O; CHARCOT-MARIE-TOOTH DISEASE, AXONAL, AUTOSOMAL DOMINANT, TYPE 2O; Charcot-Marie-Tooth Neuropathy Type 2O; Charcot-Marie-Tooth disease, axonal, type 20. Identifiers: Orphanet 284232, MedGen C3280220, MONDO:0013644, OMIM 614228.
DYNC1H1-related disorder. Also called: DYNC1H1-related condition; DYNC1H1-related disorders. Identifiers: MedGen CN381529.

Allele frequency attached by ClinVar (database versions not stated): ExAC 0.00002.
gnomAD v4.1: 11 of 1,614,212 alleles (0.00068%); highest among the groups gnomAD compares: East Asian, 0.0022%; no homozygotes.

Submissions (2):

Labcorp Genetics (formerly Invitae), Labcorp
Classification: Likely benign for Charcot-Marie-Tooth disease axonal type 2O. Last evaluated: 2025-04-23. Review status: criteria provided, single submitter. Criteria: Invitae Variant Classification Sherloc (09022015). Collection method: clinical testing. Allele origin: germline.

PreventionGenetics, part of Exact Sciences
Classification: Likely benign for DYNC1H1-related condition. Last evaluated: 2025-03-24. Review status: criteria provided, single submitter. Criteria: ACMG Guidelines, 2015. Collection method: clinical testing. Allele origin: germline.
Comment: This variant is classified as likely benign based on ACMG/AMP sequence variant interpretation guidelines (Richards et al. 2015 PMID: 25741868, with internal and published modifications).